The following is an entry in ClinVar:

ClinVar aggregate classification (germline): Benign/Likely benign. Review status: criteria provided, multiple submitters, no conflicts (2 of 4 stars). 11 submissions from 11 submitters: Benign (6); Likely benign (3). 2 of the submissions do not count toward it. Last evaluated 2026-02-04.

Conditions:
Glycine encephalopathy. Also called: Non-ketotic hyperglycinemia; Nonketotic hyperglycinemia. Identifiers: Orphanet 407, MedGen C0751748, MONDO:0011612, HP:0008288.

Allele frequency attached by ClinVar (database versions not stated): 1000 Genomes Project 30x 0.01374; 1000 Genomes Project 0.01737; TOPMed 0.02169.
gnomAD v4.1: 41,877 of 1,609,682 alleles (2.6%); highest among the groups gnomAD compares: Non-Finnish European, 3%; 660 homozygotes.

Submissions (11):

Labcorp Genetics (formerly Invitae), Labcorp
Classification: Benign for Glycine encephalopathy. Last evaluated: 2026-02-04. Review status: criteria provided, single submitter. Criteria: Invitae Variant Classification Sherloc (09022015). Collection method: clinical testing. Allele origin: germline.

Blueprint Genetics
Classification: Likely benign. Last evaluated: 2024-11-27. Review status: criteria provided, single submitter. Criteria: ACMG Guidelines, 2015. Collection method: clinical testing. Allele origin: germline.

Mayo Clinic Laboratories, Mayo Clinic
Classification: Benign. Last evaluated: 2022-08-29. Review status: criteria provided, single submitter. Criteria: ACMG Guidelines, 2015. Collection method: clinical testing. Allele origin: germline. Observed: 11 variant alleles.
Comment: BS1, BS2, BP4, BP7

GeneDx
Classification: Benign. Last evaluated: 2019-04-12. Review status: criteria provided, single submitter. Criteria: GeneDx Variant Classification Process June 2021. Collection method: clinical testing. Allele origin: germline. Affected: yes.

Women's Health and Genetics/Laboratory Corporation of America, LabCorp
Classification: Benign. Last evaluated: 2018-09-27. Review status: criteria provided, single submitter. Criteria: LabCorp Variant Classification Summary - May 2015. Collection method: clinical testing. Allele origin: germline.
Comment: Variant summary: GLDC c.1545G>A alters a non-conserved nucleotide resulting in a synonymous change. The variant allele was found at a frequency of 0.022 in 277184 control chromosomes in the gnomAD database, including 99 homozygotes. The observed variant frequency is approximately 7-fold above the estimated maximal expected allele frequency for a pathogenic variant in GLDC causing Glycine Encephalopathy (Non-Ketotic Hyperglycinemia) phenotype (0.0031), strongly suggesting that the variant is benign. c.1545G>A has been reported in the literature in an individual affected with Glycine Encephalopathy (Non-Ketotic Hyperglycinemia), though this patient had two pathogenic mutations in trans, supporting a benign impact of the variant. To our knowledge, no experimental evidence demonstrating an impact on protein function has been reported. Two clinical diagnostic laboratories have submitted clinical-significance assessments for this variant to ClinVar after 2014 and both classified the variant as benign. Based on the evidence outlined above, the variant was classified as benign.

Athena Diagnostics
Classification: Benign. Last evaluated: 2017-06-28. Review status: criteria provided, single submitter. Criteria: Athena Diagnostics Criteria. Collection method: clinical testing. Allele origin: germline.

Illumina Laboratory Services, Illumina
Classification: Likely benign for Glycine encephalopathy 1. Last evaluated: 2017-04-27. Review status: criteria provided, single submitter. Criteria: ICSL Variant Classification Criteria 13 December 2019. Collection method: clinical testing. Allele origin: germline.
Comment: This variant was observed as part of a predisposition screen in an ostensibly healthy population. A literature search was performed for the gene, cDNA change, and amino acid change (where applicable). No publications were found based on this search. Allele frequency data from public databases allowed determination this variant is unlikely to cause disease. Therefore, this variant is classified as likely benign.

Breakthrough Genomics
Classification: Likely benign. Review status: criteria provided, single submitter. Criteria: ACMG Guidelines, 2015. Collection method: not provided. Allele origin: germline. Inheritance: Autosomal recessive inheritance. Affected: yes.

PreventionGenetics, part of Exact Sciences
Classification: Benign. Review status: criteria provided, single submitter. Criteria: ACMG Guidelines, 2015. Collection method: clinical testing. Allele origin: germline.

Natera, Inc.
Classification: Benign for Non-ketotic hyperglycinemia. Last evaluated: 2020-09-16. Review status: no assertion criteria provided. Collection method: clinical testing. Allele origin: germline. Not counted in ClinVar's aggregate classification.

SingHealth Duke-NUS Institute of Precision Medicine
Classification: Uncertain significance for Glycine encephalopathy 1. Last evaluated: 2017-06-07. Review status: no assertion criteria provided. Collection method: curation. Allele origin: germline. Affected: no. Not counted in ClinVar's aggregate classification.

Literature cited by the submitters: PubMed 16601880 (cited by Mayo Clinic Laboratories, Mayo Clinic and Women's Health and Genetics/Laboratory Corporation of America, LabCorp).

NM_000170.3(GLDC):c.1545G>A (p.Arg515=)

Gene: GLDC (glycine decarboxylase; minus strand). Cytogenetic location: 9p24.1.
Variant type: single nucleotide variant.
Coding change: c.1545G>A on transcript NM_000170.3 (MANE Select); coding-DNA position 1545, G replaced by A.
Protein change: p.Arg515=; no amino-acid change (arginine 515 retained).
Molecular consequence: synonymous variant.
Genome position (GRCh38, 1-based): chr9:6,589,230, C>T on the plus strand (G>A on the coding strand, the complement: GLDC is on the minus strand). VCF-style: chr9-6589230-C-T. GRCh37 (hg19) VCF-style: chr9-6589230-C-T.
Other names: p.Arg515=.
Identifiers: ClinVar variation 255453 (VCV000255453.21), dbSNP rs121964976, ClinGen allele CA4980661.